The following is an entry in ClinVar:

NM_004360.5(CDH1):c.554A>T (p.Glu185Val)

Gene: CDH1 (cadherin 1; plus strand). Cytogenetic location: 16q22.1.
Variant type: single nucleotide variant.
Coding change: c.554A>T on transcript NM_004360.5 (MANE Select); coding-DNA position 554, A replaced by T.
Protein change: p.Glu185Val; replaces glutamic acid 185 with valine.
Molecular consequence: missense variant. On other transcripts: 5 prime UTR variant (2).
Genome position (GRCh38, 1-based): chr16:68,808,715, A>T. VCF-style: chr16-68808715-A-T. GRCh37 (hg19) VCF-style: chr16-68842618-A-T.
Other names: c.554A>T (LRG_301t1); c.554A>T, p.Glu185Val (NM_001317184.2); c.-1062A>T (NM_001317185.2); c.-1266A>T (NM_001317186.2); short protein forms E185V.
Identifiers: ClinVar variation 406637 (VCV000406637.11), dbSNP rs1060501228, ClinGen allele CA16614963.

ClinVar aggregate classification (germline): Uncertain significance. Review status: criteria provided, multiple submitters, no conflicts (2 of 4 stars). 2 submissions from 2 submitters: Uncertain significance (2). Last evaluated 2026-05-27.

Conditions:
Hereditary cancer-predisposing syndrome. Also called: Hereditary Cancer Syndrome; Tumor predisposition; Hereditary neoplastic syndrome; Neoplastic Syndromes, Hereditary. Identifiers: Orphanet 140162, MedGen C0027672, MeSH D009386, MONDO:0015356.
Hereditary diffuse gastric adenocarcinoma (HDGC). Also called: DIFFUSE GASTRIC AND LOBULAR BREAST CANCER SYNDROME. Identifiers: Orphanet 26106, MedGen C1708349, MONDO:0007648, OMIM 137215.

Submissions (2):

Ambry Genetics
Classification: Uncertain significance for Hereditary cancer-predisposing syndrome. Last evaluated: 2026-05-27. Review status: criteria provided, single submitter. Criteria: Ambry Variant Classification Scheme 2023. Collection method: clinical testing. Allele origin: germline.
Comment: The p.E185V variant (also known as c.554A>T), located in coding exon 5 of the CDH1 gene, results from an A to T substitution at nucleotide position 554. The glutamic acid at codon 185 is replaced by valine, an amino acid with dissimilar properties. This amino acid position is well conserved in available vertebrate species. In addition, this alteration is predicted to be tolerated by in silico analysis. Based on the available evidence, the clinical significance of this variant remains unclear.

Labcorp Genetics (formerly Invitae), Labcorp
Classification: Uncertain significance for Hereditary diffuse gastric adenocarcinoma. Last evaluated: 2024-01-11. Review status: criteria provided, single submitter. Criteria: Invitae Variant Classification Sherloc (09022015). Collection method: clinical testing. Allele origin: germline.
Comment: This sequence change replaces glutamic acid, which is acidic and polar, with valine, which is neutral and non-polar, at codon 185 of the CDH1 protein (p.Glu185Val). This variant is not present in population databases (gnomAD no frequency). This variant has not been reported in the literature in individuals affected with CDH1-related conditions. ClinVar contains an entry for this variant (Variation ID: 406637). An algorithm developed to predict the effect of missense changes on protein structure and function (PolyPhen-2) suggests that this variant is likely to be tolerated. Experimental studies have shown that this missense change does not substantially affect CDH1 function (PMID: 22470475). In summary, the available evidence is currently insufficient to determine the role of this variant in disease. Therefore, it has been classified as a Variant of Uncertain Significance.

Literature cited by the submitters: PubMed 22470475 (cited by Labcorp Genetics (formerly Invitae), Labcorp).